The following is an entry in ClinVar:

NM_022455.5(NSD1):c.7180A>G (p.Ile2394Val)

Gene: NSD1 (nuclear receptor binding SET domain protein 1; plus strand). Cytogenetic location: 5q35.3.
Variant type: single nucleotide variant.
Coding change: c.7180A>G on transcript NM_022455.5 (MANE Select); coding-DNA position 7180, A replaced by G.
Protein change: p.Ile2394Val; replaces isoleucine 2394 with valine.
Molecular consequence: missense variant.
Genome position (GRCh38, 1-based): chr5:177,294,548, A>G. VCF-style: chr5-177294548-A-G. GRCh37 (hg19) VCF-style: chr5-176721549-A-G.
Other names: c.6307A>G, p.Ile2103Val (NM_001365684.2, NM_001409308.1, NM_172349.5); c.7180A>G, p.Ile2394Val (NM_001409301.1, NM_001409302.1, NM_001409303.1); c.6760A>G, p.Ile2254Val (NM_001409304.1); c.6427A>G, p.Ile2143Val (NM_001409305.1); c.6418A>G, p.Ile2140Val (NM_001409306.1, NM_001409307.1); c.6058A>G, p.Ile2020Val (NM_001409309.1); short protein forms I2394V, I2125V, I2020V, I2103V, I2140V, I2254V, I2143V.
Identifiers: ClinVar variation 524687 (VCV000524687.12), dbSNP rs1554207690, ClinGen allele CA362328727.
Genomic context (GRCh38, chr5:177,294,548, plus strand): 5'-TCACTGGAGAAAACCTCAGTTCCCACTGGCCTGAGACTTCCGCCGCCAGACAGACTGCTC[A>G]TTACTAGCAGTCCCAAACCCCAGACTTCAGACAGGCCTACTGACAAACCCCATGCCTCTT-3'
Protein context (NP_071900.2, residues 2384-2404): LRLPPPDRLL[Ile2394Val]TSSPKPQTSD

ClinVar aggregate classification (germline): Conflicting classifications of pathogenicity. Review status: criteria provided, conflicting classifications (1 of 4 stars). 2 submissions from 2 submitters: Likely pathogenic (1); Likely benign (1). Last evaluated 2025-07-04.

Submissions (2):

Labcorp Genetics (formerly Invitae), Labcorp
Classification: Likely pathogenic. Last evaluated: 2025-07-04. Review status: criteria provided, single submitter. Criteria: Invitae Variant Classification Sherloc (09022015). Collection method: clinical testing. Allele origin: germline.
Comment: This sequence change replaces isoleucine, which is neutral and non-polar, with valine, which is neutral and non-polar, at codon 2394 of the NSD1 protein (p.Ile2394Val). This variant is not present in population databases (gnomAD no frequency). This missense change has been observed in individual(s) with a NSD1-related disease (internal data). In at least one individual the variant was observed to be de novo. ClinVar contains an entry for this variant (Variation ID: 524687). Invitae Evidence Modeling of protein sequence and biophysical properties (such as structural, functional, and spatial information, amino acid conservation, physicochemical variation, residue mobility, and thermodynamic stability) indicates that this missense variant is not expected to disrupt NSD1 protein function with a negative predictive value of 95%. In summary, the currently available evidence indicates that the variant is pathogenic, but additional data are needed to prove that conclusively. Therefore, this variant has been classified as Likely Pathogenic.

Blueprint Genetics
Classification: Likely benign. Last evaluated: 2019-09-16. Review status: criteria provided, single submitter. Criteria: ACMG Guidelines, 2015. Collection method: clinical testing. Allele origin: germline.